The following is an entry in ClinVar:

ClinVar aggregate classification (germline): Uncertain significance. Review status: criteria provided, multiple submitters, no conflicts (2 of 4 stars). 2 submissions from 2 submitters: Uncertain significance (2). Last evaluated 2025-10-14.

Allele frequency attached by ClinVar (database versions not stated): gnomAD 0.00004 and 0.00006; TOPMed 0.00003.
gnomAD v4.1: 18 of 1,614,074 alleles (0.0011%); highest among the groups gnomAD compares: African/African-American, 0.019%; no homozygotes.

Submissions (2):

Ambry Genetics
Classification: Uncertain significance. Last evaluated: 2025-10-14. Review status: criteria provided, single submitter. Criteria: Ambry Variant Classification Scheme 2023. Collection method: clinical testing. Allele origin: germline.

Labcorp Genetics (formerly Invitae), Labcorp
Classification: Uncertain significance. Last evaluated: 2024-02-17. Review status: criteria provided, single submitter. Criteria: Invitae Variant Classification Sherloc (09022015). Collection method: clinical testing. Allele origin: germline.
Comment: This sequence change replaces alanine, which is neutral and non-polar, with threonine, which is neutral and polar, at codon 1535 of the CCDC88A protein (p.Ala1535Thr). This variant is present in population databases (rs746478618, gnomAD 0.04%). This variant has not been reported in the literature in individuals affected with CCDC88A-related conditions. ClinVar contains an entry for this variant (Variation ID: 1438029). An algorithm developed to predict the effect of missense changes on protein structure and function (PolyPhen-2) suggests that this variant is likely to be disruptive. In summary, the available evidence is currently insufficient to determine the role of this variant in disease. Therefore, it has been classified as a Variant of Uncertain Significance.

NM_001365480.1(CCDC88A):c.4606G>A (p.Ala1536Thr)

Gene: CCDC88A (coiled-coil and HOOK domain protein 88A; minus strand). Cytogenetic location: 2p16.1.
Variant type: single nucleotide variant.
Coding change: c.4606G>A on transcript NM_001365480.1 (MANE Select); coding-DNA position 4606, G replaced by A.
Protein change: p.Ala1536Thr; replaces alanine 1536 with threonine.
Molecular consequence: missense variant.
Genome position (GRCh38, 1-based): chr2:55,301,938, C>T on the plus strand (G>A on the coding strand, the complement: CCDC88A is on the minus strand). VCF-style: chr2-55301938-C-T. GRCh37 (hg19) VCF-style: chr2-55529074-C-T.
Other names: c.4603G>A, p.Ala1535Thr (NM_001135597.2, NM_001254943.2); c.4522G>A, p.Ala1508Thr (NM_018084.5); c.4603G>A (NM_001135597.1); short protein forms A1536T, A1508T, A1535T.
Identifiers: ClinVar variation 1438029 (VCV001438029.7), dbSNP rs746478618, ClinGen allele CA1665545.
Genomic context (GRCh38, chr2:55,301,938, plus strand): 5'-TATTAACCAACTGCTTGGATCTGAAGCCTGCAGAAGAGTTGACAGTTGAAAAGTTGATGG[C>T]TGTAGTAGAGAAGGCCATAGCTCCCAATTCTTTTCTCCTTTTACCCGTTGAAATATCATC-3'
Protein context (NP_001352409.1, residues 1526-1546): ELGAMAFSTT[Ala1536Thr]INFSTVNSSA